The following is an entry in ClinVar:

NM_002485.5(NBN):c.1666G>A (p.Val556Met)

Gene: NBN (nibrin; minus strand). Cytogenetic location: 8q21.3.
Variant type: single nucleotide variant.
Coding change: c.1666G>A on transcript NM_002485.5 (MANE Select); coding-DNA position 1666, G replaced by A.
Protein change: p.Val556Met; replaces valine 556 with methionine.
Molecular consequence: missense variant.
Genome position (GRCh38, 1-based): chr8:89,953,423, C>T on the plus strand (G>A on the coding strand, the complement: NBN is on the minus strand). VCF-style: chr8-89953423-C-T. GRCh37 (hg19) VCF-style: chr8-90965651-C-T.
Other names: c.1420G>A, p.Val474Met (NM_001024688.3); short protein forms V556M, V474M.
Identifiers: ClinVar variation 530766 (VCV000530766.19), dbSNP rs771567358, ClinGen allele CA4802691.

ClinVar aggregate classification (germline): Uncertain significance. Review status: criteria provided, multiple submitters, no conflicts (2 of 4 stars). 6 submissions from 6 submitters: Uncertain significance (5). 1 of the submissions does not count toward it. Last evaluated 2024-09-22.

Conditions:
Aplastic anemia. Identifiers: Orphanet 182040, Orphanet 88, MedGen C0002874, MONDO:0015909, OMIM 609135, HP:0001915.
Microcephaly, normal intelligence and immunodeficiency (NBS). Also called: Immunodeficiency, microcephaly with normal intelligence; Ataxia telangiectasia variant V1; IMMUNODEFICIENCY, MICROCEPHALY, AND CHROMOSOMAL INSTABILITY; BERLIN BREAKAGE SYNDROME; SEEMANOVA SYNDROME II; Nijmegen breakage syndrome. Identifiers: Orphanet 647, MedGen C0398791, MONDO:0009623, OMIM 251260.
Hereditary cancer-predisposing syndrome. Also called: Neoplastic Syndromes, Hereditary; Hereditary neoplastic syndrome; Tumor predisposition; Hereditary Cancer Syndrome. Identifiers: Orphanet 140162, MedGen C0027672, MeSH D009386, MONDO:0015356.

gnomAD v4.1: 8 of 1,613,872 alleles (0.0005%); highest among the groups gnomAD compares: Admixed American, 0.01%; no homozygotes.

Submissions (6):

Ambry Genetics
Classification: Uncertain significance for Hereditary cancer-predisposing syndrome. Last evaluated: 2024-09-22. Review status: criteria provided, single submitter. Criteria: Ambry Variant Classification Scheme 2023. Collection method: clinical testing. Allele origin: germline.
Comment: The p.V556M variant (also known as c.1666G>A), located in coding exon 11 of the NBN gene, results from a G to A substitution at nucleotide position 1666. The valine at codon 556 is replaced by methionine, an amino acid with highly similar properties. This amino acid position is not well conserved in available vertebrate species. In addition, this alteration is predicted to be tolerated by in silico analysis. Since supporting evidence is limited at this time, the clinical significance of this alteration remains unclear.

Labcorp Genetics (formerly Invitae), Labcorp
Classification: Uncertain significance for Microcephaly, normal intelligence and immunodeficiency. Last evaluated: 2022-04-24. Review status: criteria provided, single submitter. Criteria: Invitae Variant Classification Sherloc (09022015). Collection method: clinical testing. Allele origin: germline.
Comment: This sequence change replaces valine, which is neutral and non-polar, with methionine, which is neutral and non-polar, at codon 556 of the NBN protein (p.Val556Met). This variant is present in population databases (rs771567358, gnomAD 0.01%). This variant has not been reported in the literature in individuals affected with NBN-related conditions. ClinVar contains an entry for this variant (Variation ID: 530766). Algorithms developed to predict the effect of missense changes on protein structure and function (SIFT, PolyPhen-2, Align-GVGD) all suggest that this variant is likely to be tolerated. In summary, the available evidence is currently insufficient to determine the role of this variant in disease. Therefore, it has been classified as a Variant of Uncertain Significance.

Genome-Nilou Lab
Classification: Uncertain significance for Microcephaly, normal intelligence and immunodeficiency. Last evaluated: 2021-11-07. Review status: criteria provided, single submitter. Criteria: ACMG Guidelines, 2015. Collection method: clinical testing. Allele origin: germline. Affected: no.

Baylor Genetics
Classification: Uncertain significance for Aplastic anemia. Last evaluated: 2020-12-04. Review status: criteria provided, single submitter. Criteria: ACMG Guidelines, 2015. Collection method: clinical testing. Allele origin: unknown. Affected: yes. Study: CSER-TexasKidsCanSeq.
Comment: This variant was determined to be of uncertain significance according to ACMG Guidelines, 2015 [PMID:25741868].

Women's Health and Genetics/Laboratory Corporation of America, LabCorp
Classification: Uncertain significance. Last evaluated: 2018-07-02. Review status: criteria provided, single submitter. Criteria: LabCorp Variant Classification Summary - May 2015. Collection method: clinical testing. Allele origin: germline.
Comment: Variant summary: NBN c.1666G>A (p.Val556Met) results in a conservative amino acid change in the encoded protein sequence. Five of five in-silico tools predict a benign effect of the variant on protein function. The variant allele was found at a frequency of 2e-05 in 245966 control chromosomes (gnomAD). The available data on variant occurrences in the general population are insufficient to allow any conclusion about variant significance. To our knowledge, no occurrence of c.1666G>A in individuals affected with Nijmegen Breakage Syndrome and no experimental evidence demonstrating its impact on protein function have been reported. A ClinVar submission from a clinical diagnostic laboratory (evaluation after 2014) cites the variant as "uncertain significance." Based on the evidence outlined above, the variant was classified as uncertain significance.

Natera, Inc.
Classification: Uncertain significance for Nijmegen breakage syndrome. Last evaluated: 2020-07-10. Review status: no assertion criteria provided. Collection method: clinical testing. Allele origin: germline. Not counted in ClinVar's aggregate classification.